The following is an entry in ClinVar:

NM_006946.4(SPTBN2):c.6280C>T (p.Arg2094Trp)

Gene: SPTBN2 (spectrin beta, non-erythrocytic 2; minus strand). Cytogenetic location: 11q13.2.
Variant type: single nucleotide variant.
Coding change: c.6280C>T on transcript NM_006946.4 (MANE Select); coding-DNA position 6280, C replaced by T.
Protein change: p.Arg2094Trp; replaces arginine 2094 with tryptophan.
Molecular consequence: missense variant.
Genome position (GRCh38, 1-based): chr11:66,688,263, G>A on the plus strand (C>T on the coding strand, the complement: SPTBN2 is on the minus strand). VCF-style: chr11-66688263-G-A. GRCh37 (hg19) VCF-style: chr11-66455734-G-A.
Other names: short protein forms R2094W.
Identifiers: ClinVar variation 994474 (VCV000994474.5), dbSNP rs368782432, ClinGen allele CA6127991.

ClinVar aggregate classification (germline): Conflicting classifications of pathogenicity. Review status: criteria provided, conflicting classifications (1 of 4 stars). 4 submissions from 4 submitters: Uncertain significance (3); Likely benign (1). Last evaluated 2026-09-01.

Conditions:
Inborn genetic diseases. Identifiers: MedGen C0950123, MeSH D030342.

Allele frequency attached by ClinVar (database versions not stated): TOPMed 0.00005; ESP Exome Variant Server 0.00008; gnomAD exomes 0.00001 and 0.00002; ExAC 0.00002; gnomAD 0.00005.
gnomAD v4.1: 26 of 1,612,332 alleles (0.0016%); highest among the groups gnomAD compares: Admixed American, 0.005%; no homozygotes.

Submissions (4):

CeGaT Center for Human Genetics Tuebingen
Classification: Uncertain significance. Last evaluated: 2026-09-01. Review status: criteria provided, single submitter. Criteria: CeGaT Center For Human Genetics Tuebingen Variant Classification Criteria Version 2. Collection method: clinical testing. Allele origin: germline. Affected: yes. Observed: 1 variant allele.
Comment: SPTBN2: PM2, BP4

Ambry Genetics
Classification: Uncertain significance for Inborn genetic diseases. Last evaluated: 2025-06-03. Review status: criteria provided, single submitter. Criteria: Ambry Variant Classification Scheme 2023. Collection method: clinical testing. Allele origin: germline.

Labcorp Genetics (formerly Invitae), Labcorp
Classification: Likely benign. Last evaluated: 2025-03-18. Review status: criteria provided, single submitter. Criteria: Invitae Variant Classification Sherloc (09022015). Collection method: clinical testing. Allele origin: germline.

Athena Diagnostics
Classification: Uncertain significance. Last evaluated: 2019-10-08. Review status: criteria provided, single submitter. Criteria: Athena Diagnostics Criteria. Collection method: clinical testing. Allele origin: unknown.